The following is an entry in ClinVar:

NM_001081.4(CUBN):c.3988C>T (p.His1330Tyr)

Gene: CUBN (cubilin; minus strand). Cytogenetic location: 10p13.
Variant type: single nucleotide variant.
Coding change: c.3988C>T on transcript NM_001081.4 (MANE Select); coding-DNA position 3988, C replaced by T.
Protein change: p.His1330Tyr; replaces histidine 1330 with tyrosine.
Molecular consequence: missense variant.
Genome position (GRCh38, 1-based): chr10:17,041,062, G>A on the plus strand (C>T on the coding strand, the complement: CUBN is on the minus strand). VCF-style: chr10-17041062-G-A. GRCh37 (hg19) VCF-style: chr10-17083061-G-A.
Other names: c.3988C>T (NM_001081.3); short protein forms H1330Y.
Identifiers: ClinVar variation 1397683 (VCV001397683.9), dbSNP rs149749419, ClinGen allele CA5424525.
Genomic context (GRCh38, chr10:17,041,062, plus strand): 5'-GCAGTGATCAATCAAGCTTTATAATACATACCTCTAAATAATCTGTGGAGCAGTTTATGT[G>A]ATGTTCCAAGTCAAATGCTAAAAATGTGTAGTTCACAGTGTTGCCTGTTGTTGCCCGGAT-3'
Protein context (NP_001072.2, residues 1320-1340): YTFLAFDLEH[His1330Tyr]INCSTDYLEL

ClinVar aggregate classification (germline): Uncertain significance. Review status: criteria provided, multiple submitters, no conflicts (2 of 4 stars). 3 submissions from 3 submitters: Uncertain significance (2). 1 of the submissions does not count toward it. Last evaluated 2022-02-23.

Conditions:
Imerslund-Grasbeck syndrome. Also called: PERNICIOUS ANEMIA, JUVENILE, DUE TO SELECTIVE INTESTINAL MALABSORPTION OF VITAMIN B12, WITH PROTEINURIA; Megaloblastic anemia due to inborn errors of metabolism; ENTEROCYTE COBALAMIN MALABSORPTION; ENTEROCYTE INTRINSIC FACTOR RECEPTOR, DEFECT OF; Imerslund-Gräsbeck syndrome. Identifiers: Orphanet 35858, MedGen C4551825, MONDO:0009853.
Proteinuria, chronic benign. Identifiers: MedGen C5394384, MONDO:0030042, OMIM 618884.
Imerslund-Grasbeck syndrome type 1 (IGS1). Also called: Imerslund-Gräsbeck syndrome 1; Megaloblastic anemia 1, Finnish type; MEGALOBLASTIC ANEMIA, 1. Identifiers: MedGen C4016819, MONDO:0100156, OMIM 261100.
CUBN-related disorder. Also called: CUBN-related condition.

Allele frequency attached by ClinVar (database versions not stated): gnomAD exomes 0.00004 and 0.00015; gnomAD 0.00044 and 0.00042; 1000 Genomes Project 0.00060; 1000 Genomes Project 30x 0.00062; ExAC 0.00019; TOPMed 0.00042; ESP Exome Variant Server 0.00077.

Submissions (3):

Fulgent Genetics
Classification: Uncertain significance for Imerslund-Grasbeck syndrome type 1; Proteinuria, chronic benign. Last evaluated: 2022-02-23. Review status: criteria provided, single submitter. Criteria: ACMG Guidelines, 2015. Collection method: clinical testing. Allele origin: unknown.

Labcorp Genetics (formerly Invitae), Labcorp
Classification: Uncertain significance for Imerslund-Grasbeck syndrome. Last evaluated: 2021-08-31. Review status: criteria provided, single submitter. Criteria: Invitae Variant Classification Sherloc (09022015). Collection method: clinical testing. Allele origin: germline.
Comment: This sequence change replaces histidine with tyrosine at codon 1330 of the CUBN protein (p.His1330Tyr). The histidine residue is weakly conserved and there is a moderate physicochemical difference between histidine and tyrosine. This variant is present in population databases (rs149749419, ExAC 0.1%). This variant has not been reported in the literature in individuals affected with CUBN-related conditions. Algorithms developed to predict the effect of missense changes on protein structure and function output the following: SIFT: "Tolerated"; PolyPhen-2: "Benign"; Align-GVGD: "Class C0". The tyrosine amino acid residue is found in multiple mammalian species, which suggests that this missense change does not adversely affect protein function. In summary, the available evidence is currently insufficient to determine the role of this variant in disease. Therefore, it has been classified as a Variant of Uncertain Significance.

PreventionGenetics, part of Exact Sciences
Classification: Likely benign for CUBN-related condition. Last evaluated: 2024-09-03. Review status: no assertion criteria provided. Collection method: clinical testing. Allele origin: germline. Not counted in ClinVar's aggregate classification.
Comment: This variant is classified as likely benign based on ACMG/AMP sequence variant interpretation guidelines (Richards et al. 2015 PMID: 25741868, with internal and published modifications).